The following is an entry in ClinVar:

ClinVar aggregate classification (germline): Pathogenic. Review status: criteria provided, multiple submitters, no conflicts (2 of 4 stars). 2 submissions from 2 submitters: Pathogenic (2). Last evaluated 2026-06-30.

Conditions:
Hereditary cancer-predisposing syndrome. Also called: Neoplastic Syndromes, Hereditary; Tumor predisposition; Hereditary Cancer Syndrome; Hereditary neoplastic syndrome. Identifiers: Orphanet 140162, MedGen C0027672, MeSH D009386, MONDO:0015356.

Submissions (2):

Ambry Genetics
Classification: Pathogenic for Hereditary cancer-predisposing syndrome. Last evaluated: 2026-06-30. Review status: criteria provided, single submitter. Criteria: Ambry Variant Classification Scheme 2023. Collection method: clinical testing. Allele origin: germline.
Comment: The c.4365delA pathogenic mutation, located in coding exon 10 of the BRCA2 gene, results from a deletion of one nucleotide at nucleotide position 4365, causing a translational frameshift with a predicted alternate stop codon (p.E1456Nfs*7). This variant is considered to be rare based on population cohorts in the Genome Aggregation Database (gnomAD). This alteration is expected to result in loss of function by premature protein truncation or nonsense-mediated mRNA decay. As such, this alteration is interpreted as a disease-causing mutation.

Color Diagnostics, LLC DBA Color Health
Classification: Pathogenic for Hereditary cancer-predisposing syndrome. Last evaluated: 2020-07-27. Review status: criteria provided, single submitter. Criteria: ACMG Guidelines, 2015. Collection method: clinical testing. Allele origin: germline.
Comment: This variant deletes 1 nucleotide in exon 11 of the BRCA2 gene, creating a frameshift and premature translation stop signal. This variant is expected to result in an absent or non-functional protein product. To our knowledge, this variant has not been reported in individuals affected with hereditary cancer in the literature. This variant has not been identified in the general population by the Genome Aggregation Database (gnomAD). Loss of BRCA2 function is a known mechanism of disease. Based on the available evidence, this variant is classified as Pathogenic.

NM_000059.4(BRCA2):c.4365del (p.Glu1456fs)

Gene: BRCA2 (BRCA2 DNA repair associated; plus strand). Cytogenetic location: 13q13.1.
Variant type: Deletion.
Coding change: c.4365del on transcript NM_000059.4 (MANE Select); coding-DNA position 4365, one base deleted (A; older notation c.4365delA).
Protein change: p.Glu1456fs; shifts the reading frame from glutamic acid 1456.
Molecular consequence: frameshift variant.
Genome position (GRCh38, 1-based): chr13:32,338,720, A deleted; the last of 2 consecutive A bases (chr13:32,338,719-32,338,720); deleting either gives the same sequence. VCF-style (leftmost placement, unchanged base first): chr13-32338718-GA-G. GRCh37 (hg19) VCF-style: chr13-32912855-GA-G.
Other names: c.4365delA (NM_000059.3); short protein forms E1456fs.
Identifiers: ClinVar variation 1172355 (VCV001172355.3), dbSNP rs2137505553, ClinGen allele CA2499222164.